The following is an entry in ClinVar:

NM_000384.3(APOB):c.6645C>A (p.His2215Gln)

Gene: APOB (apolipoprotein B; minus strand). Cytogenetic location: 2p24.1.
Variant type: single nucleotide variant.
Coding change: c.6645C>A on transcript NM_000384.3 (MANE Select); coding-DNA position 6645, C replaced by A.
Protein change: p.His2215Gln; replaces histidine 2215 with glutamine.
Molecular consequence: missense variant.
Genome position (GRCh38, 1-based): chr2:21,010,223, G>T on the plus strand (C>A on the coding strand, the complement: APOB is on the minus strand). VCF-style: chr2-21010223-G-T. GRCh37 (hg19) VCF-style: chr2-21233095-G-T.
Other names: short protein forms H2215Q.
Identifiers: ClinVar variation 1754654 (VCV001754654.2), dbSNP rs751879183, ClinGen allele CA346001202.
Genomic context (GRCh38, chr2:21,010,223, plus strand): 5'-ATTTTCAATAAACAAATGTAGATCATGGATTGTTTTTACTAAATTTACACGGATATGATA[G>T]TGCTCATCAAGACTTTTTAATTTTTCAATGATTTCATCAATAATATTAGCAATAGCTATT-3'
Protein context (NP_000375.3, residues 2205-2225): IIEKLKSLDE[His2215Gln]YHIRVNLVKT

ClinVar aggregate classification (germline): Uncertain significance (1 of 4 stars; one submission).

Conditions:
Cardiovascular phenotype. Identifiers: MedGen CN230736.

Submission:

Ambry Genetics
Classification: Uncertain significance for Cardiovascular phenotype. Last evaluated: 2022-10-17. Review status: criteria provided, single submitter. Criteria: Ambry Variant Classification Scheme 2023. Collection method: clinical testing. Allele origin: germline.
Comment: The p.H2215Q variant (also known as c.6645C>A), located in coding exon 26 of the APOB gene, results from a C to A substitution at nucleotide position 6645. The histidine at codon 2215 is replaced by glutamine, an amino acid with highly similar properties. This amino acid position is conserved. In addition, this alteration is predicted to be tolerated by in silico analysis. Since supporting evidence is limited at this time, the clinical significance of this alteration remains unclear.